The following is an entry in ClinVar:

ClinVar aggregate classification (germline): Uncertain significance (1 of 4 stars; one submission).

Submission:

GeneDx
Classification: Uncertain significance. Last evaluated: 2023-04-12. Review status: criteria provided, single submitter. Criteria: GeneDx Variant Classification Process June 2021. Collection method: clinical testing. Allele origin: germline. Affected: yes.
Comment: Not observed at significant frequency in large population cohorts (gnomAD); In silico analysis supports that this variant does not alter splicing; Has not been previously published as pathogenic or benign to our knowledge

NM_170682.4(P2RX2):c.39C>T (p.Thr13=)

Gene: P2RX2 (purinergic receptor P2X 2; plus strand). Cytogenetic location: 12q24.33.
Variant type: single nucleotide variant.
Coding change: c.39C>T on transcript NM_170682.4 (MANE Select); coding-DNA position 39, C replaced by T.
Protein change: p.Thr13=; no amino-acid change (threonine 13 retained).
Molecular consequence: synonymous variant.
Genome position (GRCh38, 1-based): chr12:132,618,855, C>T. VCF-style: chr12-132618855-C-T. GRCh37 (hg19) VCF-style: chr12-133195441-C-T.
Other names: c.39C>T, p.Thr13= (NM_001282164.2, NM_001282165.2, NM_012226.5 and 4 more transcripts).
Identifiers: ClinVar variation 2663327 (VCV002663327.1), dbSNP rs759308676, ClinGen allele CA6891310.
Genomic context (GRCh38, chr12:132,618,855, plus strand): 5'-GGAGGTGGGGGCCGCCCGCGCCATGGCCGCCGCCCAGCCCAAGTACCCCGCCGGGGCGAC[C>T]GCCCGGCGCCTGGCCCGGGGCTGCTGGTCCGCCCTCTGGGACTACGAGACGCCCAAGGTG-3'
Protein context (NP_733782.1, residues 3-23): AAQPKYPAGA[Thr13=]ARRLARGCWS